The following is an entry in ClinVar:

ClinVar aggregate classification (germline): Uncertain significance (1 of 4 stars; one submission).

Submission:

Labcorp Genetics (formerly Invitae), Labcorp
Classification: Uncertain significance. Last evaluated: 2023-12-13. Review status: criteria provided, single submitter. Criteria: Invitae Variant Classification Sherloc (09022015). Collection method: clinical testing. Allele origin: germline.
Comment: This sequence change replaces asparagine, which is neutral and polar, with lysine, which is basic and polar, at codon 179 of the SMARCB1 protein (p.Asn179Lys). This variant is not present in population databases (gnomAD no frequency). This variant has not been reported in the literature in individuals affected with SMARCB1-related conditions. Advanced modeling of protein sequence and biophysical properties (such as structural, functional, and spatial information, amino acid conservation, physicochemical variation, residue mobility, and thermodynamic stability) performed at Invitae indicates that this missense variant is expected to disrupt SMARCB1 protein function with a positive predictive value of 80%. In summary, the available evidence is currently insufficient to determine the role of this variant in disease. Therefore, it has been classified as a Variant of Uncertain Significance.

NM_003073.5(SMARCB1):c.537C>A (p.Asn179Lys)

Gene: SMARCB1 (SWI/SNF related BAF chromatin remodeling complex subunit B1; plus strand). Cytogenetic location: 22q11.23.
Variant type: single nucleotide variant.
Coding change: c.537C>A on transcript NM_003073.5 (MANE Select); coding-DNA position 537, C replaced by A.
Protein change: p.Asn179Lys; replaces asparagine 179 with lysine.
Molecular consequence: missense variant.
Genome position (GRCh38, 1-based): chr22:23,803,331, C>A. VCF-style: chr22-23803331-C-A. GRCh37 (hg19) VCF-style: chr22-24145518-C-A.
Other names: c.510C>A, p.Asn170Lys (NM_001007468.3); c.564C>A, p.Asn188Lys (NM_001317946.2); c.591C>A, p.Asn197Lys (NM_001362877.2); short protein forms N179K, N197K, N170K, N188K.
Identifiers: ClinVar variation 2997269 (VCV002997269.3), dbSNP rs533184210, ClinGen allele CA410935602.